The following is an entry in ClinVar:

NM_000059.4(BRCA2):c.1359A>T (p.Pro453=)

Gene: BRCA2 (BRCA2 DNA repair associated; plus strand). Cytogenetic location: 13q13.1.
Variant type: single nucleotide variant.
Coding change: c.1359A>T on transcript NM_000059.4 (MANE Select); coding-DNA position 1359, A replaced by T.
Protein change: p.Pro453=; no amino-acid change (proline 453 retained).
Molecular consequence: synonymous variant.
Genome position (GRCh38, 1-based): chr13:32,332,837, A>T. VCF-style: chr13-32332837-A-T. GRCh37 (hg19) VCF-style: chr13-32906974-A-T.
Other names: p.P453P:CCA>CCT.
Identifiers: ClinVar variation 182280 (VCV000182280.18), dbSNP rs730881586, ClinGen allele CA011741.
Genomic context (GRCh38, chr13:32,332,837, plus strand): 5'-CAAAAGAAAGAAAGATTTTCTTACTTCAGAGAATTCTTTGCCACGTATTTCTAGCCTACC[A>T]AAATCAGAGAAGCCATTAAATGAGGAAACAGTGGTAAATAAGAGAGATGAAGAGCAGCAT-3'
Protein context (NP_000050.3, residues 443-463): ENSLPRISSL[Pro453=]KSEKPLNEET

ClinVar aggregate classification (germline): Likely benign. Review status: reviewed by expert panel (3 of 4 stars). 5 submissions from 5 submitters: Likely benign (1). 4 of the submissions do not count toward it. Last evaluated 2017-06-29.

Conditions:
Hereditary cancer-predisposing syndrome. Also called: Tumor predisposition; Hereditary Cancer Syndrome; Hereditary neoplastic syndrome; Neoplastic Syndromes, Hereditary. Identifiers: Orphanet 140162, MedGen C0027672, MeSH D009386, MONDO:0015356.
Hereditary breast ovarian cancer syndrome. Also called: Breast and ovarian cancer; Hereditary breast and ovarian cancer syndrome; Hereditary breast and ovarian cancer; BRCA1- and BRCA2-Associated Hereditary Breast and Ovarian Cancer; Hereditary breast and ovarian cancer syndrome (HBOC); Hereditary breast and/or ovarian cancer syndrome. Identifiers: Orphanet 145, MedGen C0677776, MeSH D061325, MONDO:0003582. Disease mechanism: loss of function.
Breast-ovarian cancer, familial, susceptibility to, 2 (BROVCA2). Also called: BRCA2 Hereditary Breast and Ovarian Cancer. Identifiers: Orphanet 145, MedGen C2675520, MONDO:0012933, OMIM 612555. Disease mechanism: loss of function.

Allele frequency attached by ClinVar (database versions not stated): gnomAD exomes below 0.00001.
gnomAD v4.1: 1 of 1,611,616 alleles (0.000062%); highest among the groups gnomAD compares: Non-Finnish European, 0.000085%; no homozygotes.

Submissions (5):

Evidence-based Network for the Interpretation of Germline Mutant Alleles (ENIGMA)
Classification: Likely benign for Breast-ovarian cancer, familial, susceptibility to, 2. Last evaluated: 2017-06-29. Review status: reviewed by expert panel. Criteria: ENIGMA BRCA1/2 Classification Criteria (2017-06-29). Collection method: curation. Allele origin: germline.
Comment: Synonymous substitution variant, with low bioinformatic likelihood to result in a splicing aberration (Splicing prior probability 0.02).

Labcorp Genetics (formerly Invitae), Labcorp
Classification: Likely benign for Hereditary breast ovarian cancer syndrome. Last evaluated: 2025-05-05. Review status: criteria provided, single submitter. Criteria: Invitae Variant Classification Sherloc (09022015). Collection method: clinical testing. Allele origin: germline. Not counted in ClinVar's aggregate classification.

Color Diagnostics, LLC DBA Color Health
Classification: Likely benign for Hereditary cancer-predisposing syndrome. Last evaluated: 2020-03-09. Review status: criteria provided, single submitter. Criteria: ACMG Guidelines, 2015. Collection method: clinical testing. Allele origin: germline. Not counted in ClinVar's aggregate classification.

Ambry Genetics
Classification: Likely benign for Hereditary cancer-predisposing syndrome. Last evaluated: 2016-05-19. Review status: criteria provided, single submitter. Criteria: Ambry Variant Classification Scheme 2023. Collection method: clinical testing. Allele origin: germline. Not counted in ClinVar's aggregate classification.

GeneDx
Classification: Benign. Last evaluated: 2014-07-08. Review status: criteria provided, single submitter. Criteria: GeneDx Variant Classification (06012015). Collection method: clinical testing. Allele origin: germline. Affected: yes. Not counted in ClinVar's aggregate classification.
Comment: This variant is considered likely benign or benign based on one or more of the following criteria: it is a conservative change, it occurs at a poorly conserved position in the protein, it is predicted to be benign by multiple in silico algorithms, and/or has population frequency not consistent with disease.